The following is an entry in ClinVar:

ClinVar aggregate classification (germline): Benign. Review status: criteria provided, multiple submitters, no conflicts (2 of 4 stars). 4 submissions from 4 submitters: Benign (4). Last evaluated 2025-11-17.

Conditions:
Orthostatic hypotension 1 (ORTHYP1). Also called: Dopamine beta-hydroxylase deficiency; Orthostatic hypotension 1, due to DBH deficiency; NORADRENALINE DEFICIENCY; NOREPINEPHRINE DEFICIENCY. Identifiers: Orphanet 230, MedGen C4746777, MONDO:0009123, OMIM 223360.

Allele frequency attached by ClinVar (database versions not stated): gnomAD 0.19673 and 0.20352; TOPMed 0.20688; 1000 Genomes Project 30x 0.25203; 1000 Genomes Project 0.25539.
gnomAD v4.1: 269,489 of 1,336,366 alleles (20%); highest among the groups gnomAD compares: East Asian, 39%; 28,781 homozygotes.

Submissions (4):

Labcorp Genetics (formerly Invitae), Labcorp
Classification: Benign for Orthostatic hypotension 1. Last evaluated: 2025-11-17. Review status: criteria provided, single submitter. Criteria: Invitae Variant Classification Sherloc (09022015). Collection method: clinical testing. Allele origin: germline.

GeneDx
Classification: Benign. Last evaluated: 2021-05-11. Review status: criteria provided, single submitter. Criteria: GeneDx Variant Classification Process June 2021. Collection method: clinical testing. Allele origin: germline. Affected: yes.
Comment: This variant is associated with the following publications: (PMID: 25975715, 20498626)

Illumina Laboratory Services, Illumina
Classification: Benign for Orthostatic hypotension 1. Last evaluated: 2018-03-06. Review status: criteria provided, single submitter. Criteria: ICSL Variant Classification Criteria 13 December 2019. Collection method: clinical testing. Allele origin: germline.
Comment: This variant was observed in the ICSL laboratory as part of a predisposition screen in an ostensibly healthy population. It had not been previously curated by ICSL or reported in the Human Gene Mutation Database (HGMD: prior to June 1st, 2018), and was therefore a candidate for classification through an automated scoring system. Utilizing variant allele frequency, disease prevalence and penetrance estimates, and inheritance mode, an automated score was calculated to assess if this variant is too frequent to cause the disease. Based on the score and internal cut-off values, a variant classified as benign is not then subjected to further curation. The score for this variant resulted in a classification of benign for this disease.

Breakthrough Genomics
Classification: Benign. Review status: criteria provided, single submitter. Criteria: ACMG Guidelines, 2015. Collection method: not provided. Allele origin: germline. Inheritance: Autosomal recessive inheritance. Affected: yes.

NM_000787.4(DBH):c.*100C>T

Gene: DBH (dopamine beta-hydroxylase; plus strand). Cytogenetic location: 9q34.2.
Variant type: single nucleotide variant.
Coding change: c.*100C>T on transcript NM_000787.4 (MANE Select); 100 bases downstream of the stop codon, C replaced by T.
Molecular consequence: 3 prime UTR variant.
Genome position (GRCh38, 1-based): chr9:133,658,547, C>T. VCF-style: chr9-133658547-C-T. GRCh37 (hg19) VCF-style: chr9-136523669-C-T.
Identifiers: ClinVar variation 365678 (VCV000365678.14), dbSNP rs129882, ClinGen allele CA10629470.
Genomic context (GRCh38, chr9:133,658,547, plus strand): 5'-TGGGCTCACACCGGCACTGTGCACTCTACTCTGCGACGATCCCCATGGAACAGCCCTGCA[C>T]GCCCAGGATGAAGGGGCCAGACCACGCCCCTGCCTGAGACCACGGTCCAATCCAGCCTTC-3'